The following is an entry in ClinVar:

ClinVar aggregate classification (germline): Likely pathogenic (1 of 4 stars; one submission).

Conditions:
Alagille syndrome due to a JAG1 point mutation. Also called: HEPATIC DUCTULAR HYPOPLASIA, SYNDROMATIC; Alagille Syndrome 1; JAG1-Related Alagille Syndrome. Identifiers: Orphanet 261619, Orphanet 52, MedGen C1956125, MONDO:0016862, OMIM 118450.

Submission:

Institute of Human Genetics, University of Leipzig Medical Center
Classification: Likely pathogenic for Alagille syndrome due to a JAG1 point mutation. Last evaluated: 2024-02-09. Review status: criteria provided, single submitter. Criteria: ACMG Guidelines, 2015. Collection method: clinical testing. Allele origin: maternal. Inheritance: Autosomal dominant inheritance. Affected: yes.
Comment: Criteria applied: PVS1,PM2_SUP

NM_000214.3(JAG1):c.1721-2A>T

Gene: JAG1 (jagged canonical Notch ligand 1; minus strand). Cytogenetic location: 20p12.2.
Variant type: single nucleotide variant.
Coding change: c.1721-2A>T on transcript NM_000214.3 (MANE Select); the canonical splice acceptor site of the intron before coding-DNA position 1721, A replaced by T.
Molecular consequence: splice acceptor variant.
Genome position (GRCh38, 1-based): chr20:10,647,105, T>A on the plus strand (A>T on the coding strand, the complement: JAG1 is on the minus strand). VCF-style: chr20-10647105-T-A. GRCh37 (hg19) VCF-style: chr20-10627753-T-A.
Identifiers: ClinVar variation 3024519 (VCV003024519.2), dbSNP rs2514515739, ClinGen allele CA408236687.